The following is an entry in ClinVar:

ClinVar aggregate classification (germline): Uncertain significance. Review status: criteria provided, multiple submitters, no conflicts (2 of 4 stars). 2 submissions from 2 submitters: Uncertain significance (2). Last evaluated 2025-12-02.

Conditions:
Blepharophimosis - intellectual disability syndrome, SBBYS type (SBBYSS). Also called: Ohdo syndrome, SBBYS variant; SBBYSS syndrome; Say-Barber-Biesecker-Young-Simpson syndrome; Say-Barber-Biesecker-Young-Simpson variant of Ohdo Syndrome; Say-Barber-Biesecker Variant of Ohdo Syndrome; Say-Barber-Biesecker variant of Ohdo syndrome (SBBYSS). Identifiers: Orphanet 3047, MedGen C1863557, MONDO:0011365, OMIM 603736.
Genitopatellar syndrome (GTPTS). Also called: ABSENT PATELLAE, SCROTAL HYPOPLASIA, RENAL ANOMALIES, FACIAL DYSMORPHISM, AND MENTAL RETARDATION; Genitopatellar syndrome (GPS). Identifiers: Orphanet 85201, MedGen C1853566, MONDO:0011640, OMIM 606170.

gnomAD v4.1: 13 of 1,614,118 alleles (0.00081%); highest among the groups gnomAD compares: African/African-American, 0.0053%; no homozygotes.

Submissions (2):

Women's Health and Genetics/Laboratory Corporation of America, LabCorp
Classification: Uncertain significance. Last evaluated: 2025-12-02. Review status: criteria provided, single submitter. Criteria: LabCorp Variant Classification Summary - May 2015. Collection method: clinical testing. Allele origin: germline.
Comment: Variant summary: KAT6B c.2779A>G (p.Ile927Val) results in a conservative amino acid change in the encoded protein sequence. Algorithms developed to predict the effect of missense changes on protein structure and function are either unavailable or do not agree on the potential impact of this missense change. The variant allele was found at a frequency of 8e-06 in 251214 control chromosomes. The available data on variant occurrences in the general population are insufficient to allow any conclusion about variant significance. To our knowledge, no occurrence of c.2779A>G in individuals affected with KAT6B-related conditions and no experimental evidence demonstrating its impact on protein function have been reported. ClinVar contains an entry for this variant (Variation ID: 3597667). Based on the evidence outlined above, the variant was classified as uncertain significance.

Fulgent Genetics
Classification: Uncertain significance for Blepharophimosis - intellectual disability syndrome, SBBYS type; Genitopatellar syndrome. Last evaluated: 2024-03-04. Review status: criteria provided, single submitter. Criteria: ACMG Guidelines, 2015. Collection method: clinical testing. Allele origin: germline.

NM_012330.4(KAT6B):c.2779A>G (p.Ile927Val)

Gene: KAT6B (lysine acetyltransferase 6B; plus strand). Cytogenetic location: 10q22.2.
Variant type: single nucleotide variant.
Coding change: c.2779A>G on transcript NM_012330.4 (MANE Select); coding-DNA position 2779, A replaced by G.
Protein change: p.Ile927Val; replaces isoleucine 927 with valine.
Molecular consequence: missense variant.
Genome position (GRCh38, 1-based): chr10:75,020,731, A>G. VCF-style: chr10-75020731-A-G. GRCh37 (hg19) VCF-style: chr10-76780489-A-G.
Other names: c.2230A>G, p.Ile744Val (NM_001256468.2, NM_001370138.1); c.1903A>G, p.Ile635Val (NM_001256469.2, NM_001370139.1, NM_001370140.1 and 2 more transcripts); c.1741A>G, p.Ile581Val (NM_001370132.1); c.1090A>G, p.Ile364Val (NM_001370133.1); c.694A>G, p.Ile232Val (NM_001370134.1); c.436A>G, p.Ile146Val (NM_001370135.1); c.2779A>G, p.Ile927Val (NM_001370136.1, NM_001370137.1); c.1714A>G, p.Ile572Val (NM_001370143.1, NM_001370144.1); short protein forms I232V, I364V, I927V, I581V, I635V, I146V, I572V, I744V.
Identifiers: ClinVar variation 3597667 (VCV003597667.2).
Genomic context (GRCh38, chr10:75,020,731, plus strand): 5'-AAGAGCGTCATCTTGGAGTATCTCTACCACCACCATGAGAGGCACATCAGCATCAAGGCA[A>G]TTAGCAGAGCGACGGGCATGTGCCCACATGACATTGCCACCACTCTGCAGCACCTCCACA-3'
Protein context (NP_036462.2, residues 917-937): HHERHISIKA[Ile927Val]SRATGMCPHD